The following is an entry in ClinVar:

ClinVar aggregate classification (germline): Conflicting classifications of pathogenicity. Review status: criteria provided, conflicting classifications (1 of 4 stars). 7 submissions from 7 submitters: Uncertain significance (1); Benign (1); Likely benign (5). Last evaluated 2026-01-25.

Conditions:
Hereditary nonpolyposis colorectal neoplasms. Identifiers: MedGen C0009405, MeSH D003123.
Hereditary cancer-predisposing syndrome. Also called: Tumor predisposition; Hereditary neoplastic syndrome; Neoplastic Syndromes, Hereditary; Hereditary Cancer Syndrome. Identifiers: Orphanet 140162, MedGen C0027672, MeSH D009386, MONDO:0015356.
Lynch syndrome 5 (LYNCH5). Also called: Colorectal cancer, hereditary nonpolyposis, type 5; Hereditary non-polyposis colorectal cancer, type 5. Identifiers: Orphanet 144, MedGen C1833477, MONDO:0013710, OMIM 614350. Disease mechanism: loss of function.

Allele frequency attached by ClinVar (database versions not stated): gnomAD 0.00001; TOPMed 0.00003; gnomAD exomes 0.00005; ExAC 0.00070.
gnomAD v4.1: 3 of 1,425,896 alleles (0.00021%); highest among the groups gnomAD compares: Admixed American, 0.0093%; no homozygotes.

Submissions (7):

Labcorp Genetics (formerly Invitae), Labcorp
Classification: Likely benign for Hereditary nonpolyposis colorectal neoplasms. Last evaluated: 2026-01-25. Review status: criteria provided, single submitter. Criteria: Invitae Variant Classification Sherloc (09022015). Collection method: clinical testing. Allele origin: germline.

Women's Health and Genetics/Laboratory Corporation of America, LabCorp
Classification: Uncertain significance. Last evaluated: 2025-04-28. Review status: criteria provided, single submitter. Criteria: LabCorp Variant Classification Summary - May 2015. Collection method: clinical testing. Allele origin: germline.
Comment: Variant summary: MSH6 c.260+7G>A alters a nucleotide located at a position not widely known to affect splicing. Several computational tools predict a significant impact on normal splicing: One predicts the variant weakens a cryptic 5 donor site. Two predict the variant creates a cryptic 5 donor site. However, these predictions have yet to be confirmed by functional studies. The variant allele was found at a frequency of 4.6e-05 in 43282 control chromosomes (gnomAD). The available data on variant occurrences in the general population are insufficient to allow any conclusion about variant significance. To our knowledge, no occurrence of c.260+7G>A in individuals affected with Hereditary Nonpolyposis Colorectal Cancer and no experimental evidence demonstrating its impact on protein function have been reported. ClinVar contains an entry for this variant (Variation ID: 379551). Based on the evidence outlined above, the variant was classified as uncertain significance.

Myriad Genetics, Inc.
Classification: Benign for Lynch syndrome 5. Last evaluated: 2024-12-17. Review status: criteria provided, single submitter. Criteria: Myriad Autosomal Dominant, Autosomal Recessive and X-Linked Classification Criteria (2023). Collection method: clinical testing. Allele origin: unknown.
Comment: This variant is considered benign. This variant is intronic and is not expected to impact mRNA splicing. This variant is strongly associated with less severe personal and family histories of cancer, typical for individuals without pathogenic variants in this gene [PMID: 27363726].

Quest Diagnostics Nichols Institute San Juan Capistrano
Classification: Likely benign. Last evaluated: 2022-11-18. Review status: criteria provided, single submitter. Criteria: Quest Diagnostics criteria. Collection method: clinical testing. Allele origin: unknown.

Color Diagnostics, LLC DBA Color Health
Classification: Likely benign for Hereditary cancer-predisposing syndrome. Last evaluated: 2017-06-13. Review status: criteria provided, single submitter. Criteria: ACMG Guidelines, 2015. Collection method: clinical testing. Allele origin: germline.

PreventionGenetics, part of Exact Sciences
Classification: Likely benign. Last evaluated: 2016-12-30. Review status: criteria provided, single submitter. Criteria: ACMG Guidelines, 2015. Collection method: clinical testing. Allele origin: germline.

GeneDx
Classification: Likely benign. Last evaluated: 2016-12-15. Review status: criteria provided, single submitter. Criteria: GeneDx Variant Classification (06012015). Collection method: clinical testing. Allele origin: germline. Affected: yes.
Comment: This variant is considered likely benign or benign based on one or more of the following criteria: it is a conservative change, it occurs at a poorly conserved position in the protein, it is predicted to be benign by multiple in silico algorithms, and/or has population frequency not consistent with disease.

Literature cited by the submitters: PubMed 27363726 (cited by Myriad Genetics, Inc.).

NM_000179.3(MSH6):c.260+7G>A

Genes: MSH6 (mutS homolog 6; plus strand), LOC129933707 (ATAC-STARR-seq lymphoblastoid silent region 11468; plus strand). Cytogenetic location: 2p16.3.
Variant type: single nucleotide variant.
Coding change: c.260+7G>A on transcript NM_000179.3 (MANE Select); 7 bases into the intron after coding-DNA position 260, G replaced by A.
Molecular consequence: intron variant.
Genome position (GRCh38, 1-based): chr2:47,783,500, G>A. VCF-style: chr2-47783500-G-A. GRCh37 (hg19) VCF-style: chr2-48010639-G-A.
Other names: c.-477+7G>A (NM_001281493.2); c.237+30G>A (NM_001281492.2).
Identifiers: ClinVar variation 379551 (VCV000379551.24), dbSNP rs774479750, ClinGen allele CA069290.